The following is an entry in ClinVar:

ClinVar aggregate classification (germline): Conflicting classifications of pathogenicity. Review status: criteria provided, conflicting classifications (1 of 4 stars). 6 submissions from 6 submitters: Uncertain significance (4); Likely benign (1). 1 of the submissions does not count toward it. Last evaluated 2025-12-10.

Conditions:
BRCA2-related cancer predisposition. Identifiers: MedGen CN377758, MONDO:0700269.
Hereditary cancer-predisposing syndrome. Also called: Hereditary Cancer Syndrome; Neoplastic Syndromes, Hereditary; Hereditary neoplastic syndrome; Tumor predisposition. Identifiers: Orphanet 140162, MedGen C0027672, MeSH D009386, MONDO:0015356.
Hereditary breast ovarian cancer syndrome. Also called: Breast and ovarian cancer; Hereditary breast and/or ovarian cancer syndrome; Hereditary breast and ovarian cancer; Hereditary breast and ovarian cancer syndrome; Hereditary breast and ovarian cancer syndrome (HBOC); BRCA1- and BRCA2-Associated Hereditary Breast and Ovarian Cancer. Identifiers: Orphanet 145, MedGen C0677776, MeSH D061325, MONDO:0003582. Disease mechanism: loss of function.
Breast-ovarian cancer, familial, susceptibility to, 2 (BROVCA2). Also called: BRCA2 Hereditary Breast and Ovarian Cancer. Identifiers: Orphanet 145, MedGen C2675520, MONDO:0012933, OMIM 612555. Disease mechanism: loss of function.

Allele frequency attached by ClinVar (database versions not stated): gnomAD exomes below 0.00001.
gnomAD v4.1: 1 of 1,613,728 alleles (0.000062%); highest among the groups gnomAD compares: South Asian, 0.0011%; no homozygotes.

Submissions (6):

Labcorp Genetics (formerly Invitae), Labcorp
Classification: Uncertain significance for Hereditary breast ovarian cancer syndrome. Last evaluated: 2025-12-10. Review status: criteria provided, single submitter. Criteria: Invitae Variant Classification Sherloc (09022015). Collection method: clinical testing. Allele origin: germline.
Comment: This sequence change replaces alanine, which is neutral and non-polar, with threonine, which is neutral and polar, at codon 691 of the BRCA2 protein (p.Ala691Thr). This variant is not present in population databases (gnomAD no frequency). This variant has not been reported in the literature in individuals affected with BRCA2-related conditions. ClinVar contains an entry for this variant (Variation ID: 96774). Invitae Evidence Modeling of protein sequence and biophysical properties (such as structural, functional, and spatial information, amino acid conservation, physicochemical variation, residue mobility, and thermodynamic stability) indicates that this missense variant is not expected to disrupt BRCA2 protein function with a negative predictive value of 95%. In summary, the available evidence is currently insufficient to determine the role of this variant in disease. Therefore, it has been classified as a Variant of Uncertain Significance.

All of Us Research Program, National Institutes of Health
Classification: Uncertain significance for BRCA2-related cancer predisposition. Last evaluated: 2024-05-14. Review status: criteria provided, single submitter. Criteria: ACMG Guidelines, 2015. Collection method: clinical testing. Allele origin: germline. Inheritance: Autosomal dominant inheritance. Observed: 2 variant alleles, 2 heterozygotes.
Comment: This missense variant replaces alanine with threonine at codon 691 of the BRCA2 protein. Computational prediction suggests that this variant may not impact protein structure and function. To our knowledge, functional studies have not been reported for this variant. This variant has not been reported in individuals affected with BRCA2-related disorders in the literature. This variant has not been identified in the general population by the Genome Aggregation Database (gnomAD). The available evidence is insufficient to determine the role of this variant in disease conclusively. Therefore, this variant is classified as a Variant of Uncertain Significance.

This study involves interpretation of variants in research participants for the purpose of population health screening. Participant phenotype was not available at the time of variant classification. Additional details can be found in publication PMID: 35346344, PMCID: PMC8962531

Color Diagnostics, LLC DBA Color Health
Classification: Uncertain significance for Hereditary cancer-predisposing syndrome. Last evaluated: 2024-04-23. Review status: criteria provided, single submitter. Criteria: ACMG Guidelines, 2015. Collection method: clinical testing. Allele origin: germline.
Comment: This missense variant replaces alanine with threonine at codon 691 of the BRCA2 protein. Computational prediction suggests that this variant may not impact protein structure and function. To our knowledge, functional studies have not been reported for this variant. This variant has not been reported in individuals affected with BRCA2-related disorders in the literature. This variant has not been identified in the general population by the Genome Aggregation Database (gnomAD). The available evidence is insufficient to determine the role of this variant in disease conclusively. Therefore, this variant is classified as a Variant of Uncertain Significance.

University of Washington Department of Laboratory Medicine, University of Washington
Classification: Likely benign for Hereditary cancer-predisposing syndrome. Last evaluated: 2023-03-23. Review status: criteria provided, single submitter. Criteria: Dines et al. (Genet Med. 2020). Collection method: curation. Allele origin: germline.
Comment: Missense variant in a coldspot region where missense variants are very unlikely to be pathogenic (PMID:31911673).

BRCA2 exon 11 coldspot. Reclassification based on statistical prior probability.

Ambry Genetics
Classification: Uncertain significance for Hereditary cancer-predisposing syndrome. Last evaluated: 2020-04-23. Review status: criteria provided, single submitter. Criteria: Ambry Variant Classification Scheme 2023. Collection method: clinical testing. Allele origin: germline.
Comment: The p.A691T variant (also known as c.2071G>A), located in coding exon 10 of the BRCA2 gene, results from a G to A substitution at nucleotide position 2071. The alanine at codon 691 is replaced by threonine, an amino acid with similar properties. This amino acid position is not well conserved in available vertebrate species, and threonine is the reference amino acid in other vertebrate species. In addition, this alteration is predicted to be tolerated by in silico analysis. Since supporting evidence is limited at this time, the clinical significance of this alteration remains unclear.

Sharing Clinical Reports Project (SCRP)
Classification: Uncertain significance for Breast-ovarian cancer, familial 2. Last evaluated: 2007-01-05. Review status: no assertion criteria provided. Collection method: clinical testing. Allele origin: germline. Not counted in ClinVar's aggregate classification.

NM_000059.4(BRCA2):c.2071G>A (p.Ala691Thr)

Gene: BRCA2 (BRCA2 DNA repair associated; plus strand). Cytogenetic location: 13q13.1.
Variant type: single nucleotide variant.
Coding change: c.2071G>A on transcript NM_000059.4 (MANE Select); coding-DNA position 2071, G replaced by A.
Protein change: p.Ala691Thr; replaces alanine 691 with threonine.
Molecular consequence: missense variant.
Genome position (GRCh38, 1-based): chr13:32,336,426, G>A. VCF-style: chr13-32336426-G-A. GRCh37 (hg19) VCF-style: chr13-32910563-G-A.
Other names: short protein forms A691T.
Identifiers: ClinVar variation 96774 (VCV000096774.17), dbSNP rs431825290, ClinGen allele CA014272.